The following is an entry in ClinVar:

ClinVar aggregate classification (germline): Conflicting classifications of pathogenicity. Review status: criteria provided, conflicting classifications (1 of 4 stars). 7 submissions from 7 submitters: Uncertain significance (4); Likely benign (2). 1 of the submissions does not count toward it. Last evaluated 2026-01-22.

Conditions:
MYO7A-related disorder. Also called: MYO7A-related disorders.
Usher syndrome type 1 (USH1). Also called: RETINITIS PIGMENTOSA AND CONGENITAL DEAFNESS. Identifiers: Orphanet 231169, Orphanet 886, MedGen C1568247, MONDO:0010168, OMIM 276900.
Usher syndrome type 1B (USH1B). Also called: Usher syndrome type IB. Identifiers: MedGen C1848638, MONDO:0700087.

Allele frequency attached by ClinVar (database versions not stated): gnomAD exomes 0.00019; ExAC 0.00035; 1000 Genomes Project 30x 0.00078; 1000 Genomes Project 0.00080; gnomAD 0.00082 and 0.00088; TOPMed 0.00085; ESP Exome Variant Server 0.00088.
gnomAD v4.1: 249 of 1,611,184 alleles (0.015%); highest among the groups gnomAD compares: African/African-American, 0.3%; no homozygotes.

Submissions (7):

Myriad Genetics, Inc.
Classification: Uncertain significance for Usher syndrome type 1. Last evaluated: 2026-01-22. Review status: criteria provided, single submitter. Criteria: Myriad Autosomal Dominant, Autosomal Recessive and X-Linked Classification Criteria (2023). Collection method: clinical testing. Allele origin: unknown.
Comment: NM_000260.3(MYO7A):c.39C>A(D13E) is a missense variant classified as a variant of uncertain significance in the context of MYO7A-related disorders. D13E has not been observed in cases with relevant disease. Relevant functional assessments of this variant are not available in the literature. D13E has been observed in referenced population frequency databases. In summary, there is insufficient evidence to classify NM_000260.3(MYO7A):c.39C>A(D13E) as pathogenic or benign. Please note: this variant was assessed in the context of healthy population screening.

Labcorp Genetics (formerly Invitae), Labcorp
Classification: Likely benign. Last evaluated: 2026-01-19. Review status: criteria provided, single submitter. Criteria: Invitae Variant Classification Sherloc (09022015). Collection method: clinical testing. Allele origin: germline.

PreventionGenetics, part of Exact Sciences
Classification: Likely benign for MYO7A-related condition. Last evaluated: 2024-10-29. Review status: criteria provided, single submitter. Criteria: ACMG Guidelines, 2015. Collection method: clinical testing. Allele origin: germline.
Comment: This variant is classified as likely benign based on ACMG/AMP sequence variant interpretation guidelines (Richards et al. 2015 PMID: 25741868, with internal and published modifications).

Blueprint Genetics
Classification: Uncertain significance. Last evaluated: 2024-10-07. Review status: criteria provided, single submitter. Criteria: ACMG Guidelines, 2015. Collection method: clinical testing. Allele origin: germline.

GeneDx
Classification: Uncertain significance. Last evaluated: 2021-10-13. Review status: criteria provided, single submitter. Criteria: GeneDx Variant Classification Process June 2021. Collection method: clinical testing. Allele origin: germline. Affected: yes.
Comment: In silico analysis supports that this missense variant does not alter protein structure/function; Has not been previously published as pathogenic or benign to our knowledge

Eurofins Ntd Llc (ga)
Classification: Uncertain significance. Last evaluated: 2014-07-09. Review status: criteria provided, single submitter. Criteria: EGL Classification Definitions 2015. Collection method: clinical testing. Allele origin: germline.

Natera, Inc.
Classification: Uncertain significance for Usher syndrome type 1B. Last evaluated: 2020-04-16. Review status: no assertion criteria provided. Collection method: clinical testing. Allele origin: germline. Not counted in ClinVar's aggregate classification.

NM_000260.4(MYO7A):c.39C>A (p.Asp13Glu)

Gene: MYO7A (myosin VIIA; plus strand). Cytogenetic location: 11q13.5.
Variant type: single nucleotide variant.
Coding change: c.39C>A on transcript NM_000260.4 (MANE Select); coding-DNA position 39, C replaced by A.
Protein change: p.Asp13Glu; replaces aspartic acid 13 with glutamic acid.
Molecular consequence: missense variant.
Genome position (GRCh38, 1-based): chr11:77,142,729, C>A. VCF-style: chr11-77142729-C-A. GRCh37 (hg19) VCF-style: chr11-76853775-C-A.
Other names: c.39C>A, p.Asp13Glu (NM_001127180.2); c.6C>A, p.Asp2Glu (NM_001369365.1); short protein forms D13E, D2E.
Identifiers: ClinVar variation 196240 (VCV000196240.22), dbSNP rs199989979, ClinGen allele CA243131.